The following is an entry in ClinVar:

ClinVar aggregate classification (germline): Conflicting classifications of pathogenicity. Review status: criteria provided, conflicting classifications (1 of 4 stars). 2 submissions from 2 submitters: Uncertain significance (1); Likely benign (1). Last evaluated 2023-12-15.

Allele frequency attached by ClinVar (database versions not stated): gnomAD exomes below 0.00001.
gnomAD v4.1: 1 of 1,595,316 alleles (0.000063%); highest among the groups gnomAD compares: South Asian, 0.0011%; no homozygotes.

Submissions (2):

Ambry Genetics
Classification: Likely benign. Last evaluated: 2023-12-15. Review status: criteria provided, single submitter. Criteria: Ambry Variant Classification Scheme 2023. Collection method: clinical testing. Allele origin: germline.

Labcorp Genetics (formerly Invitae), Labcorp
Classification: Uncertain significance. Last evaluated: 2023-08-17. Review status: criteria provided, single submitter. Criteria: Invitae Variant Classification Sherloc (09022015). Collection method: clinical testing. Allele origin: germline.
Comment: In summary, the available evidence is currently insufficient to determine the role of this variant in disease. Therefore, it has been classified as a Variant of Uncertain Significance. This sequence change replaces serine, which is neutral and polar, with asparagine, which is neutral and polar, at codon 416 of the IL23R protein (p.Ser416Asn). This variant is not present in population databases (gnomAD no frequency). This variant has not been reported in the literature in individuals affected with IL23R-related conditions. ClinVar contains an entry for this variant (Variation ID: 1447230). Algorithms developed to predict the effect of missense changes on protein structure and function output the following: SIFT: "Not Available"; PolyPhen-2: "Benign"; Align-GVGD: "Not Available". The asparagine amino acid residue is found in multiple mammalian species, which suggests that this missense change does not adversely affect protein function.

NM_144701.3(IL23R):c.1247G>A (p.Ser416Asn)

Gene: IL23R (interleukin 23 receptor; plus strand). Cytogenetic location: 1p31.3.
Variant type: single nucleotide variant.
Coding change: c.1247G>A on transcript NM_144701.3 (MANE Select); coding-DNA position 1247, G replaced by A.
Protein change: p.Ser416Asn; replaces serine 416 with asparagine.
Molecular consequence: missense variant.
Genome position (GRCh38, 1-based): chr1:67,258,485, G>A. VCF-style: chr1-67258485-G-A. GRCh37 (hg19) VCF-style: chr1-67724168-G-A.
Other names: c.1247G>A (NM_144701.2); short protein forms S416N.
Identifiers: ClinVar variation 1447230 (VCV001447230.9), dbSNP rs1442474244, ClinGen allele CA340727683.